The following is an entry in ClinVar:

ClinVar aggregate classification (germline): Uncertain significance (1 of 4 stars; one submission).

Conditions:
Hereditary pancreatitis (PCTT). Also called: Hereditary chronic pancreatitis; PRSS1-Related Hereditary Pancreatitis. Identifiers: Orphanet 676, MedGen C0238339, MONDO:0008185, OMIM 167800.

Submission:

Labcorp Genetics (formerly Invitae), Labcorp
Classification: Uncertain significance for Hereditary pancreatitis. Last evaluated: 2020-08-25. Review status: criteria provided, single submitter. Criteria: Invitae Variant Classification Sherloc (09022015). Collection method: clinical testing. Allele origin: germline.
Comment: In summary, the available evidence is currently insufficient to determine the role of this variant in disease. Therefore, it has been classified as a Variant of Uncertain Significance. Experimental studies and prediction algorithms are not available or were not evaluated, and the functional significance of this variant is currently unknown. This variant has not been reported in the literature in individuals with CTRC-related conditions. This variant results in a copy number gain of the genomic region encompassing the full coding sequence of the CTRC gene. The boundaries of this event are unknown as they extend beyond the assayed region for this gene and therefore may encompass additional genes. As the precise location of this event is unknown, it may be in tandem or it may be located elsewhere in the genome.

NC_000001.10:g.(?_15764902)_(15773084_?)dup

Gene: CTRC (chymotrypsin C; plus strand). Cytogenetic location: 1p36.21.
Variant type: Duplication.
Identifiers: ClinVar variation 830718 (VCV000830718.5).